The following is an entry in ClinVar:

ClinVar aggregate classification (germline): Uncertain significance (1 of 4 stars; one submission).

Submission:

Labcorp Genetics (formerly Invitae), Labcorp
Classification: Uncertain significance. Last evaluated: 2021-08-29. Review status: criteria provided, single submitter. Criteria: Invitae Variant Classification Sherloc (09022015). Collection method: clinical testing. Allele origin: germline.
Comment: In summary, the available evidence is currently insufficient to determine the role of this variant in disease. Therefore, it has been classified as a Variant of Uncertain Significance. Algorithms developed to predict the effect of missense changes on protein structure and function output the following: SIFT: "Deleterious"; PolyPhen-2: "Probably Damaging"; Align-GVGD: "Class C0". The leucine amino acid residue is found in multiple mammalian species, suggesting that this missense change does not adversely affect protein function. These predictions have not been confirmed by published functional studies and their clinical significance is uncertain. This variant has not been reported in the literature in individuals with DLL3-related conditions. This variant is not present in population databases (ExAC no frequency). This sequence change replaces arginine with leucine at codon 308 of the DLL3 protein (p.Arg308Leu). The arginine residue is highly conserved and there is a moderate physicochemical difference between arginine and leucine.

NM_203486.3(DLL3):c.923G>T (p.Arg308Leu)

Gene: DLL3 (delta like canonical Notch ligand 3; plus strand). Cytogenetic location: 19q13.2.
Variant type: single nucleotide variant.
Coding change: c.923G>T on transcript NM_203486.3 (MANE Select); coding-DNA position 923, G replaced by T.
Protein change: p.Arg308Leu; replaces arginine 308 with leucine.
Molecular consequence: missense variant.
Genome position (GRCh38, 1-based): chr19:39,505,281, G>T. VCF-style: chr19-39505281-G-T. GRCh37 (hg19) VCF-style: chr19-39995921-G-T.
Other names: c.923G>T, p.Arg308Leu (NM_016941.4); short protein forms R308L.
Identifiers: ClinVar variation 1356480 (VCV001356480.8), dbSNP rs141671275, ClinGen allele CA405798493.